The following is an entry in ClinVar:

ClinVar aggregate classification (germline): Uncertain significance (1 of 4 stars; one submission).

Conditions:
Ataxia-telangiectasia syndrome (AT). Also called: Ataxia-telangiectasia, complementation group E; Ataxia-telangiectasia, complementation group D; AT, COMPLEMENTATION GROUP C; Ataxia-telangiectasia; LOUIS-BAR SYNDROME; Ataxia telangiectasia (A-T). Identifiers: Orphanet 100, MedGen C0004135, MONDO:0008840, OMIM 208900.

Submission:

Labcorp Genetics (formerly Invitae), Labcorp
Classification: Uncertain significance for Ataxia-telangiectasia syndrome. Last evaluated: 2023-01-20. Review status: criteria provided, single submitter. Criteria: Invitae Variant Classification Sherloc (09022015). Collection method: clinical testing. Allele origin: germline.
Comment: This sequence change replaces serine, which is neutral and polar, with proline, which is neutral and non-polar, at codon 644 of the ATM protein (p.Ser644Pro). This variant is not present in population databases (gnomAD no frequency). This variant has not been reported in the literature in individuals affected with ATM-related conditions. Algorithms developed to predict the effect of missense changes on protein structure and function output the following: SIFT: "Tolerated"; PolyPhen-2: "Benign"; Align-GVGD: "Class C0". The proline amino acid residue is found in multiple mammalian species, which suggests that this missense change does not adversely affect protein function. Algorithms developed to predict the effect of sequence changes on RNA splicing suggest that this variant may disrupt the consensus splice site. In summary, the available evidence is currently insufficient to determine the role of this variant in disease. Therefore, it has been classified as a Variant of Uncertain Significance.

NM_000051.4(ATM):c.1930T>C (p.Ser644Pro)

Gene: ATM (ATM serine/threonine kinase; plus strand). Cytogenetic location: 11q22.3.
Variant type: single nucleotide variant.
Coding change: c.1930T>C on transcript NM_000051.4 (MANE Select); coding-DNA position 1930, T replaced by C.
Protein change: p.Ser644Pro; replaces serine 644 with proline.
Molecular consequence: missense variant.
Genome position (GRCh38, 1-based): chr11:108,253,845, T>C. VCF-style: chr11-108253845-T-C. GRCh37 (hg19) VCF-style: chr11-108124572-T-C.
Other names: c.1930T>C, p.Ser644Pro (NM_001351834.2); short protein forms S644P.
Identifiers: ClinVar variation 3023656 (VCV003023656.3), dbSNP rs1555073128, ClinGen allele CA382536535.